The following is an entry in ClinVar:

NM_000320.3(QDPR):c.70T>G (p.Ser24Ala)

Genes: QDPR (quinoid dihydropteridine reductase; minus strand), LOC129992304 (ATAC-STARR-seq lymphoblastoid silent region 15310; plus strand). Cytogenetic location: 4p15.32.
Variant type: single nucleotide variant.
Coding change: c.70T>G on transcript NM_000320.3 (MANE Select); coding-DNA position 70, T replaced by G.
Protein change: p.Ser24Ala; replaces serine 24 with alanine.
Molecular consequence: missense variant. On other transcripts: non-coding transcript variant (1).
Genome position (GRCh38, 1-based): chr4:17,511,985, A>C on the plus strand (T>G on the coding strand, the complement: QDPR is on the minus strand). VCF-style: chr4-17511985-A-C. GRCh37 (hg19) VCF-style: chr4-17513608-A-C.
Other names: c.70T>G, p.Ser24Ala (NM_001306140.2); short protein forms S24A.
Identifiers: ClinVar variation 2091215 (VCV002091215.2), dbSNP rs1205453792, ClinGen allele CA356454348.

ClinVar aggregate classification (germline): Uncertain significance. Review status: criteria provided, multiple submitters, no conflicts (2 of 4 stars). 2 submissions from 2 submitters: Uncertain significance (2). Last evaluated 2025-01-30.

Conditions:
Dihydropteridine reductase deficiency (HPABH4C). Also called: BH4-Deficient Hyperphenylalaninemia C; HYPERPHENYLALANINEMIA, TETRAHYDROBIOPTERIN-DEFICIENT, DUE TO DHPR DEFICIENCY; QDPR DEFICIENCY; QUINOID DIHYDROPTERIDINE REDUCTASE DEFICIENCY; Phenylketonuria II; Hyperphenylalaninemia due to dihydropteridine reductase deficiency. Identifiers: Orphanet 226, Orphanet 238583, MedGen C0268465, MONDO:0009862, OMIM 261630.

Allele frequency attached by ClinVar (database versions not stated): gnomAD 0.00001; gnomAD exomes 0.00001; TOPMed 0.00001.
gnomAD v4.1: 9 of 1,610,502 alleles (0.00056%); highest among the groups gnomAD compares: Non-Finnish European, 0.00068%; no homozygotes.

Submissions (2):

ARUP Laboratories, Molecular Genetics and Genomics, ARUP Laboratories
Classification: Uncertain significance for Dihydropteridine reductase deficiency. Last evaluated: 2025-01-30. Review status: criteria provided, single submitter. Criteria: ARUP Molecular Germline Variant Investigation Process 2024. Collection method: clinical testing. Allele origin: germline.

Labcorp Genetics (formerly Invitae), Labcorp
Classification: Uncertain significance for Dihydropteridine reductase deficiency. Last evaluated: 2022-03-21. Review status: criteria provided, single submitter. Criteria: Invitae Variant Classification Sherloc (09022015). Collection method: clinical testing. Allele origin: germline.
Comment: This sequence change replaces serine, which is neutral and polar, with alanine, which is neutral and non-polar, at codon 24 of the QDPR protein (p.Ser24Ala). This variant is present in population databases (no rsID available, gnomAD 0.001%). This variant has not been reported in the literature in individuals affected with QDPR-related conditions. Algorithms developed to predict the effect of missense changes on protein structure and function (SIFT, PolyPhen-2, Align-GVGD) all suggest that this variant is likely to be tolerated. In summary, the available evidence is currently insufficient to determine the role of this variant in disease. Therefore, it has been classified as a Variant of Uncertain Significance.